The following is an entry in ClinVar:

ClinVar aggregate classification (germline): Uncertain significance (1 of 4 stars; one submission).

Conditions:
Fanconi anemia (FA). Also called: Fanconi's anemia. Identifiers: Orphanet 84, MedGen C0015625, MeSH D005199, MONDO:0019391.

Allele frequency attached by ClinVar (database versions not stated): gnomAD exomes below 0.00001; gnomAD 0.00002 and 0.00003; ESP Exome Variant Server 0.00008.
gnomAD v4.1: 9 of 1,614,068 alleles (0.00056%); highest among the groups gnomAD compares: Admixed American, 0.0017%; no homozygotes.

Submission:

Labcorp Genetics (formerly Invitae), Labcorp
Classification: Uncertain significance for Fanconi anemia. Last evaluated: 2025-07-30. Review status: criteria provided, single submitter. Criteria: Invitae Variant Classification Sherloc (09022015). Collection method: clinical testing. Allele origin: germline.
Comment: This sequence change replaces histidine, which is basic and polar, with arginine, which is basic and polar, at codon 1667 of the SLX4 protein (p.His1667Arg). This variant is present in population databases (rs139304111, gnomAD no frequency). This variant has not been reported in the literature in individuals affected with SLX4-related conditions. ClinVar contains an entry for this variant (Variation ID: 1490694). An algorithm developed to predict the effect of missense changes on protein structure and function outputs the following: PolyPhen-2: "Benign". The arginine amino acid residue is found in multiple mammalian species, which suggests that this missense change does not adversely affect protein function. In summary, the available evidence is currently insufficient to determine the role of this variant in disease. Therefore, it has been classified as a Variant of Uncertain Significance.

NM_032444.4(SLX4):c.5000A>G (p.His1667Arg)

Gene: SLX4 (SLX4 structure-specific endonuclease subunit; minus strand). Cytogenetic location: 16p13.3.
Variant type: single nucleotide variant.
Coding change: c.5000A>G on transcript NM_032444.4 (MANE Select); coding-DNA position 5000, A replaced by G.
Protein change: p.His1667Arg; replaces histidine 1667 with arginine.
Molecular consequence: missense variant.
Genome position (GRCh38, 1-based): chr16:3,583,250, T>C on the plus strand (A>G on the coding strand, the complement: SLX4 is on the minus strand). VCF-style: chr16-3583250-T-C. GRCh37 (hg19) VCF-style: chr16-3633251-T-C.
Other names: short protein forms H1667R.
Identifiers: ClinVar variation 1490694 (VCV001490694.8), dbSNP rs139304111, ClinGen allele CA276952645.